The following is an entry in ClinVar:

NM_152866.3(MS4A1):c.674C>G (p.Ser225Cys)

Gene: MS4A1 (membrane spanning 4-domains A1; plus strand). Cytogenetic location: 11q12.2.
Variant type: single nucleotide variant.
Coding change: c.674C>G on transcript NM_152866.3 (MANE Select); coding-DNA position 674, C replaced by G.
Protein change: p.Ser225Cys; replaces serine 225 with cysteine.
Molecular consequence: missense variant.
Genome position (GRCh38, 1-based): chr11:60,467,059, C>G. VCF-style: chr11-60467059-C-G. GRCh37 (hg19) VCF-style: chr11-60234532-C-G.
Other names: c.674C>G, p.Ser225Cys (NM_021950.4, NM_152867.2); short protein forms S225C.
Identifiers: ClinVar variation 2741064 (VCV002741064.3), dbSNP rs754370516, ClinGen allele CA380600518.

ClinVar aggregate classification (germline): Uncertain significance (1 of 4 stars; one submission).

Submission:

Labcorp Genetics (formerly Invitae), Labcorp
Classification: Uncertain significance. Last evaluated: 2024-10-24. Review status: criteria provided, single submitter. Criteria: Invitae Variant Classification Sherloc (09022015). Collection method: clinical testing. Allele origin: germline.
Comment: This sequence change replaces serine, which is neutral and polar, with cysteine, which is neutral and slightly polar, at codon 225 of the MS4A1 protein (p.Ser225Cys). This variant is not present in population databases (gnomAD no frequency). This variant has not been reported in the literature in individuals affected with MS4A1-related conditions. An algorithm developed to predict the effect of missense changes on protein structure and function (PolyPhen-2) suggests that this variant is likely to be disruptive. In summary, the available evidence is currently insufficient to determine the role of this variant in disease. Therefore, it has been classified as a Variant of Uncertain Significance.